The following is an entry in ClinVar:

NM_053013.4(ENO3):c.865+3G>A

Gene: ENO3 (enolase 3; plus strand). Cytogenetic location: 17p13.2.
Variant type: single nucleotide variant.
Coding change: c.865+3G>A on transcript NM_053013.4 (MANE Select); 3 bases into the intron after coding-DNA position 865, G replaced by A.
Molecular consequence: intron variant.
Genome position (GRCh38, 1-based): chr17:4,955,607, G>A. VCF-style: chr17-4955607-G-A. GRCh37 (hg19) VCF-style: chr17-4858902-G-A.
Other names: c.865+3G>A (NM_001976.5); c.736+3G>A (NM_001193503.2).
Identifiers: ClinVar variation 508315 (VCV000508315.6), dbSNP rs147327991, ClinGen allele CA8316454.

ClinVar aggregate classification (germline): Conflicting classifications of pathogenicity. Review status: criteria provided, conflicting classifications (1 of 4 stars). 2 submissions from 2 submitters: Uncertain significance (1); Likely benign (1). Last evaluated 2022-08-15.

Conditions:
Glycogen storage disease due to muscle beta-enolase deficiency (GSD13). Also called: ENOLASE 3 DEFICIENCY; ENOLASE-BETA DEFICIENCY; GSD XIII; Glycogen Storage Disease Type XIII. Identifiers: Orphanet 99849, MedGen C2752027, MONDO:0013046, OMIM 612932.

Allele frequency attached by ClinVar (database versions not stated): ExAC 0.00009; gnomAD exomes 0.00009; ESP Exome Variant Server 0.00031; TOPMed 0.00034; gnomAD 0.00040 and 0.00041; 1000 Genomes Project 30x 0.00109; 1000 Genomes Project 0.00140.

Submissions (2):

Labcorp Genetics (formerly Invitae), Labcorp
Classification: Uncertain significance for Glycogen storage disease due to muscle beta-enolase deficiency. Last evaluated: 2022-08-15. Review status: criteria provided, single submitter. Criteria: Invitae Variant Classification Sherloc (09022015). Collection method: clinical testing. Allele origin: germline.
Comment: This sequence change falls in intron 8 of the ENO3 gene. It does not directly change the encoded amino acid sequence of the ENO3 protein. It affects a nucleotide within the consensus splice site. This variant is present in population databases (rs147327991, gnomAD 0.1%). This variant has not been reported in the literature in individuals affected with ENO3-related conditions. ClinVar contains an entry for this variant (Variation ID: 508315). Variants that disrupt the consensus splice site are a relatively common cause of aberrant splicing (PMID: 17576681, 9536098). Algorithms developed to predict the effect of sequence changes on RNA splicing suggest that this variant is not likely to affect RNA splicing. In summary, the available evidence is currently insufficient to determine the role of this variant in disease. Therefore, it has been classified as a Variant of Uncertain Significance.

GeneDx
Classification: Likely benign. Last evaluated: 2017-04-03. Review status: criteria provided, single submitter. Criteria: GeneDx Variant Classification (06012015). Collection method: clinical testing. Allele origin: germline. Affected: yes.
Comment: This variant is considered likely benign or benign based on one or more of the following criteria: it is a conservative change, it occurs at a poorly conserved position in the protein, it is predicted to be benign by multiple in silico algorithms, and/or has population frequency not consistent with disease.

Literature cited by the submitters: PubMed 17576681 (cited by Labcorp Genetics (formerly Invitae), Labcorp); PubMed 9536098 (cited by Labcorp Genetics (formerly Invitae), Labcorp).